The following is an entry in ClinVar:

ClinVar aggregate classification (germline): Uncertain significance. Review status: criteria provided, multiple submitters, no conflicts (2 of 4 stars). 2 submissions from 2 submitters: Uncertain significance (2). Last evaluated 2025-09-24.

Conditions:
Inborn genetic diseases. Identifiers: MedGen C0950123, MeSH D030342.
Myopathy, proximal, and ophthalmoplegia (CMYO6). Also called: CONGENITAL MYOPATHY 6 WITH OPHTHALMOPLEGIA; MYOPATHY WITH CONGENITAL JOINT CONTRACTURES, OPHTHALMOPLEGIA, AND RIMMED VACUOLES; INCLUSION BODY MYOPATHY 3, AUTOSOMAL DOMINANT. Identifiers: Orphanet 363677, Orphanet 79091, MedGen C1854106, MONDO:0011577, OMIM 605637.

gnomAD v4.1: 3 of 1,614,214 alleles (0.00019%); highest among the groups gnomAD compares: Admixed American, 0.0033%; no homozygotes.

Submissions (2):

Labcorp Genetics (formerly Invitae), Labcorp
Classification: Uncertain significance for Myopathy, proximal, and ophthalmoplegia. Last evaluated: 2025-09-24. Review status: criteria provided, single submitter. Criteria: Invitae Variant Classification Sherloc (09022015). Collection method: clinical testing. Allele origin: germline.
Comment: This sequence change replaces glutamic acid, which is acidic and polar, with aspartic acid, which is acidic and polar, at codon 878 of the MYH2 protein (p.Glu878Asp). This variant is present in population databases (rs757290160, gnomAD 0.003%). This variant has not been reported in the literature in individuals affected with MYH2-related conditions. ClinVar contains an entry for this variant (Variation ID: 1490810). Invitae Evidence Modeling of protein sequence and biophysical properties (such as structural, functional, and spatial information, amino acid conservation, physicochemical variation, residue mobility, and thermodynamic stability) indicates that this missense variant is not expected to disrupt MYH2 protein function with a negative predictive value of 80%. In summary, the available evidence is currently insufficient to determine the role of this variant in disease. Therefore, it has been classified as a Variant of Uncertain Significance.

Ambry Genetics
Classification: Uncertain significance for Inborn genetic diseases. Last evaluated: 2025-07-31. Review status: criteria provided, single submitter. Criteria: Ambry Variant Classification Scheme 2023. Collection method: clinical testing. Allele origin: germline.

NM_017534.6(MYH2):c.2634A>C (p.Glu878Asp)

Genes: MYH2 (myosin heavy chain 2; minus strand), MYHAS (myosin heavy chain gene cluster antisense RNA; plus strand). Cytogenetic location: 17p13.1.
Variant type: single nucleotide variant.
Coding change: c.2634A>C on transcript NM_017534.6 (MANE Select); coding-DNA position 2634, A replaced by C.
Protein change: p.Glu878Asp; replaces glutamic acid 878 with aspartic acid.
Molecular consequence: missense variant.
Genome position (GRCh38, 1-based): chr17:10,531,696, T>G on the plus strand (A>C on the coding strand, the complement: MYH2 is on the minus strand). VCF-style: chr17-10531696-T-G. GRCh37 (hg19) VCF-style: chr17-10435013-T-G.
Other names: c.2634A>C, p.Glu878Asp (NM_001100112.2); c.2634A>C (NM_017534.5); short protein forms E878D.
Identifiers: ClinVar variation 1490810 (VCV001490810.7), dbSNP rs757290160, ClinGen allele CA8391096.